The following is an entry in ClinVar:

ClinVar aggregate classification (germline): Uncertain significance (1 of 4 stars; one submission).

Conditions:
Emery-Dreifuss muscular dystrophy 4, autosomal dominant (EDMD4). Also called: EMERY-DREIFUSS MUSCULAR DYSTROPHY 4 WITH VARIABLE FEATURES. Identifiers: Orphanet 261, MedGen C2751807, MONDO:0013071, OMIM 612998.
Autosomal recessive ataxia, Beauce type. Also called: SYNE1 Deficiency; Spinocerebellar ataxia, autosomal recessive 8; ATAXIA, RECESSIVE, OF BEAUCE; SYNE1-Related Autosomal Recessive Cerebellar Ataxia. Identifiers: Orphanet 88644, MedGen C1853116, MONDO:0012549, OMIM 610743.

Allele frequency attached by ClinVar (database versions not stated): gnomAD exomes below 0.00001; TOPMed below 0.00001; gnomAD 0.00001.
gnomAD v4.1: 3 of 1,613,922 alleles (0.00019%); highest among the groups gnomAD compares: Non-Finnish European, 0.00025%; no homozygotes.

Submission:

Labcorp Genetics (formerly Invitae), Labcorp
Classification: Uncertain significance for Emery-Dreifuss muscular dystrophy 4, autosomal dominant; Autosomal recessive ataxia, Beauce type. Last evaluated: 2022-02-28. Review status: criteria provided, single submitter. Criteria: Invitae Variant Classification Sherloc (09022015). Collection method: clinical testing. Allele origin: germline.
Comment: In summary, the available evidence is currently insufficient to determine the role of this variant in disease. Therefore, it has been classified as a Variant of Uncertain Significance. Algorithms developed to predict the effect of missense changes on protein structure and function (SIFT, PolyPhen-2, Align-GVGD) all suggest that this variant is likely to be tolerated. This variant has not been reported in the literature in individuals affected with SYNE1-related conditions. This variant is not present in population databases (gnomAD no frequency). This sequence change replaces valine, which is neutral and non-polar, with alanine, which is neutral and non-polar, at codon 7298 of the SYNE1 protein (p.Val7298Ala).

NM_182961.4(SYNE1):c.22106T>C (p.Val7369Ala)

Gene: SYNE1 (spectrin repeat containing nuclear envelope protein 1; minus strand). Cytogenetic location: 6q25.2.
Variant type: single nucleotide variant.
Coding change: c.22106T>C on transcript NM_182961.4 (MANE Select); coding-DNA position 22106, T replaced by C.
Protein change: p.Val7369Ala; replaces valine 7369 with alanine.
Molecular consequence: missense variant.
Genome position (GRCh38, 1-based): chr6:152,218,342, A>G on the plus strand (T>C on the coding strand, the complement: SYNE1 is on the minus strand). VCF-style: chr6-152218342-A-G. GRCh37 (hg19) VCF-style: chr6-152539477-A-G.
Other names: c.21893T>C, p.Val7298Ala (NM_033071.5); short protein forms V7369A, V7298A.
Identifiers: ClinVar variation 1965236 (VCV001965236.5), dbSNP rs1251837360, ClinGen allele CA366102560.